The following is an entry in ClinVar:

NM_001042681.2(RERE):c.4350C>T (p.Gly1450=)

Gene: RERE (arginine-glutamic acid dipeptide repeats; minus strand). Cytogenetic location: 1p36.23.
Variant type: single nucleotide variant.
Coding change: c.4350C>T on transcript NM_001042681.2 (MANE Select); coding-DNA position 4350, C replaced by T.
Protein change: p.Gly1450=; no amino-acid change (glycine 1450 retained).
Molecular consequence: synonymous variant.
Genome position (GRCh38, 1-based): chr1:8,356,236, G>A on the plus strand (C>T on the coding strand, the complement: RERE is on the minus strand). VCF-style: chr1-8356236-G-A. GRCh37 (hg19) VCF-style: chr1-8416296-G-A.
Other names: c.2688C>T, p.Gly896= (NM_001042682.2); c.4350C>T, p.Gly1450= (NM_012102.4).
Identifiers: ClinVar variation 1557472 (VCV001557472.18), dbSNP rs372564547, ClinGen allele CA570814.

ClinVar aggregate classification (germline): Benign/Likely benign. Review status: criteria provided, multiple submitters, no conflicts (2 of 4 stars). 2 submissions from 2 submitters: Benign (1); Likely benign (1). Last evaluated 2026-08-01.

Allele frequency attached by ClinVar (database versions not stated): gnomAD 0.00003 and 0.00004; TOPMed 0.00003; gnomAD exomes 0.00005 and 0.00007; ExAC 0.00006; ESP Exome Variant Server 0.00008.
gnomAD v4.1: 72 of 1,523,580 alleles (0.0047%); highest among the groups gnomAD compares: Non-Finnish European, 0.0059%; no homozygotes.

Submissions (2):

CeGaT Center for Human Genetics Tuebingen
Classification: Likely benign. Last evaluated: 2026-08-01. Review status: criteria provided, single submitter. Criteria: CeGaT Center For Human Genetics Tuebingen Variant Classification Criteria Version 2. Collection method: clinical testing. Allele origin: germline. Affected: yes. Observed: 2 variant alleles.
Comment: RERE: BP4, BP7

Labcorp Genetics (formerly Invitae), Labcorp
Classification: Benign. Last evaluated: 2025-09-26. Review status: criteria provided, single submitter. Criteria: Invitae Variant Classification Sherloc (09022015). Collection method: clinical testing. Allele origin: germline.